The following is an entry in ClinVar:

NM_005430.4(WNT1):c.350T>G (p.Val117Gly)

Gene: WNT1 (Wnt family member 1; plus strand). Cytogenetic location: 12q13.12.
Variant type: single nucleotide variant.
Coding change: c.350T>G on transcript NM_005430.4 (MANE Select); coding-DNA position 350, T replaced by G.
Protein change: p.Val117Gly; replaces valine 117 with glycine.
Molecular consequence: missense variant.
Genome position (GRCh38, 1-based): chr12:48,979,713, T>G. VCF-style: chr12-48979713-T-G. GRCh37 (hg19) VCF-style: chr12-49373496-T-G.
Other names: short protein forms V117G.
Identifiers: ClinVar variation 3010936 (VCV003010936.4), dbSNP rs958325447, ClinGen allele CA236608348.

ClinVar aggregate classification (germline): Uncertain significance. Review status: criteria provided, multiple submitters, no conflicts (2 of 4 stars). 2 submissions from 2 submitters: Uncertain significance (2). Last evaluated 2026-09-30.

Conditions:
OSTEOPOROSIS, EARLY-ONSET, SUSCEPTIBILITY TO (BMND16). Also called: Bone mineral density quantitative trait locus 16. Identifiers: Orphanet 85193, MedGen C3714945, OMIM 615221.

Allele frequency attached by ClinVar (database versions not stated): TOPMed below 0.00001; gnomAD 0.00001; gnomAD exomes 0.00002.
gnomAD v4.1: 32 of 1,589,884 alleles (0.002%); highest among the groups gnomAD compares: Non-Finnish European, 0.0028%; no homozygotes.

Submissions (2):

MVZ Martinsried, Medicover Genetics
Classification: Uncertain significance for OSTEOPOROSIS, EARLY-ONSET, SUSCEPTIBILITY TO. Last evaluated: 2026-09-30. Review status: criteria provided, single submitter. Criteria: ClinGen Variant Curation SOP V3.2 + Classification Guidance July2025. Collection method: clinical testing. Allele origin: unknown. Observed: 1 heterozygote.

Labcorp Genetics (formerly Invitae), Labcorp
Classification: Uncertain significance. Last evaluated: 2024-11-16. Review status: criteria provided, single submitter. Criteria: Invitae Variant Classification Sherloc (09022015). Collection method: clinical testing. Allele origin: germline.
Comment: This sequence change replaces valine, which is neutral and non-polar, with glycine, which is neutral and non-polar, at codon 117 of the WNT1 protein (p.Val117Gly). This variant is present in population databases (no rsID available, gnomAD 0.002%). This variant has not been reported in the literature in individuals affected with WNT1-related conditions. ClinVar contains an entry for this variant (Variation ID: 3010936). Invitae Evidence Modeling of protein sequence and biophysical properties (such as structural, functional, and spatial information, amino acid conservation, physicochemical variation, residue mobility, and thermodynamic stability) indicates that this missense variant is not expected to disrupt WNT1 protein function with a negative predictive value of 80%. In summary, the available evidence is currently insufficient to determine the role of this variant in disease. Therefore, it has been classified as a Variant of Uncertain Significance.